The following is an entry in ClinVar:

NM_001330691.3(CEP78):c.1229G>A (p.Arg410His)

Gene: CEP78 (centrosomal protein 78; plus strand). Cytogenetic location: 9q21.2.
Variant type: single nucleotide variant.
Coding change: c.1229G>A on transcript NM_001330691.3 (MANE Select); coding-DNA position 1229, G replaced by A.
Protein change: p.Arg410His; replaces arginine 410 with histidine.
Molecular consequence: missense variant.
Genome position (GRCh38, 1-based): chr9:78,253,255, G>A. VCF-style: chr9-78253255-G-A. GRCh37 (hg19) VCF-style: chr9-80868171-G-A.
Other names: c.1232G>A, p.Arg411His (NM_001098802.3, NM_001349839.2, NM_001349840.2 and 1 more transcripts); c.1229G>A, p.Arg410His (NM_001330693.3, NM_001330694.2, NM_001349838.2); short protein forms R410H, R411H.
Identifiers: ClinVar variation 1950887 (VCV001950887.5), dbSNP rs757117060, ClinGen allele CA5095189.

ClinVar aggregate classification (germline): Uncertain significance (1 of 4 stars; one submission).

Allele frequency attached by ClinVar (database versions not stated): gnomAD 0.00001; TOPMed 0.00001; ExAC 0.00003.
gnomAD v4.1: 8 of 1,382,084 alleles (0.00058%); highest among the groups gnomAD compares: South Asian, 0.0012%; no homozygotes.

Submission:

Labcorp Genetics (formerly Invitae), Labcorp
Classification: Uncertain significance. Last evaluated: 2022-02-08. Review status: criteria provided, single submitter. Criteria: Invitae Variant Classification Sherloc (09022015). Collection method: clinical testing. Allele origin: germline.
Comment: In summary, the available evidence is currently insufficient to determine the role of this variant in disease. Therefore, it has been classified as a Variant of Uncertain Significance. Algorithms developed to predict the effect of missense changes on protein structure and function output the following: SIFT: "Tolerated"; PolyPhen-2: "Benign"; Align-GVGD: "Class C0". The histidine amino acid residue is found in multiple mammalian species, which suggests that this missense change does not adversely affect protein function. This variant has not been reported in the literature in individuals affected with CEP78-related conditions. The frequency data for this variant in the population databases is considered unreliable, as metrics indicate poor data quality at this position in the gnomAD database. This sequence change replaces arginine, which is basic and polar, with histidine, which is basic and polar, at codon 411 of the CEP78 protein (p.Arg411His).